The following is an entry in ClinVar:

NM_000081.4(LYST):c.6793C>G (p.Leu2265Val)

Gene: LYST (lysosomal trafficking regulator; minus strand). Cytogenetic location: 1q42.3.
Variant type: single nucleotide variant.
Coding change: c.6793C>G on transcript NM_000081.4 (MANE Select); coding-DNA position 6793, C replaced by G.
Protein change: p.Leu2265Val; replaces leucine 2265 with valine.
Molecular consequence: missense variant.
Genome position (GRCh38, 1-based): chr1:235,759,060, G>C on the plus strand (C>G on the coding strand, the complement: LYST is on the minus strand). VCF-style: chr1-235759060-G-C. GRCh37 (hg19) VCF-style: chr1-235922360-G-C.
Other names: c.6793C>G, p.Leu2265Val (NM_001301365.1); short protein forms L2265V.
Identifiers: ClinVar variation 1989535 (VCV001989535.2), dbSNP rs149033064, ClinGen allele CA1466308.

ClinVar aggregate classification (germline): Uncertain significance (1 of 4 stars; one submission).

Conditions:
Chédiak-Higashi syndrome (CHS). Also called: Chediak-Higashi Syndrome. Identifiers: Orphanet 167, MedGen C0007965, MONDO:0008963, OMIM 214500.

Allele frequency attached by ClinVar (database versions not stated): gnomAD exomes below 0.00001; ESP Exome Variant Server 0.00008.
gnomAD v4.1: 4 of 1,613,968 alleles (0.00025%); highest among the groups gnomAD compares: African/African-American, 0.0053%; no homozygotes.

Submission:

Labcorp Genetics (formerly Invitae), Labcorp
Classification: Uncertain significance for Chédiak-Higashi syndrome. Last evaluated: 2023-08-10. Review status: criteria provided, single submitter. Criteria: Invitae Variant Classification Sherloc (09022015). Collection method: clinical testing. Allele origin: germline.
Comment: This sequence change replaces leucine, which is neutral and non-polar, with valine, which is neutral and non-polar, at codon 2265 of the LYST protein (p.Leu2265Val). This variant is present in population databases (rs149033064, gnomAD 0.01%). This variant has not been reported in the literature in individuals affected with LYST-related conditions. ClinVar contains an entry for this variant (Variation ID: 1989535). Advanced modeling of protein sequence and biophysical properties (such as structural, functional, and spatial information, amino acid conservation, physicochemical variation, residue mobility, and thermodynamic stability) performed at Invitae indicates that this missense variant is not expected to disrupt LYST protein function. In summary, the available evidence is currently insufficient to determine the role of this variant in disease. Therefore, it has been classified as a Variant of Uncertain Significance.